The following is an entry in ClinVar:

NM_002878.4(RAD51D):c.301G>A (p.Glu101Lys)

Genes: RAD51D (RAD51 paralog D; minus strand), RAD51L3-RFFL (RAD51L3-RFFL readthrough; minus strand). Cytogenetic location: 17q12.
Variant type: single nucleotide variant.
Coding change: c.301G>A on transcript NM_002878.4 (MANE Select); coding-DNA position 301, G replaced by A.
Protein change: p.Glu101Lys; replaces glutamic acid 101 with lysine.
Molecular consequence: missense variant. On other transcripts: non-coding transcript variant (2), intron variant (1).
Genome position (GRCh38, 1-based): chr17:35,107,410, C>T on the plus strand (G>A on the coding strand, the complement: RAD51D is on the minus strand). VCF-style: chr17-35107410-C-T. GRCh37 (hg19) VCF-style: chr17-33434429-C-T.
Other names: c.361G>A, p.Glu121Lys (NM_001142571.2); c.145-929G>A (NM_133629.3); short protein forms E101K, E121K.
Identifiers: ClinVar variation 3666440 (VCV003666440.2).

ClinVar aggregate classification (germline): Uncertain significance (1 of 4 stars; one submission).

Conditions:
Breast-ovarian cancer, familial, susceptibility to, 4. Identifiers: Orphanet 145, MedGen C3280345, MONDO:0013669, OMIM 614291.

Submission:

Labcorp Genetics (formerly Invitae), Labcorp
Classification: Uncertain significance for Breast-ovarian cancer, familial, susceptibility to, 4. Last evaluated: 2024-10-02. Review status: criteria provided, single submitter. Criteria: Invitae Variant Classification Sherloc (09022015). Collection method: clinical testing. Allele origin: germline.
Comment: This sequence change replaces glutamic acid, which is acidic and polar, with lysine, which is basic and polar, at codon 101 of the RAD51D protein (p.Glu101Lys). This variant is not present in population databases (gnomAD no frequency). This variant has not been reported in the literature in individuals affected with RAD51D-related conditions. Invitae Evidence Modeling of protein sequence and biophysical properties (such as structural, functional, and spatial information, amino acid conservation, physicochemical variation, residue mobility, and thermodynamic stability) has been performed for this missense variant. However, the output from this modeling did not meet the statistical confidence thresholds required to predict the impact of this variant on RAD51D protein function. In summary, the available evidence is currently insufficient to determine the role of this variant in disease. Therefore, it has been classified as a Variant of Uncertain Significance.